The following is an entry in ClinVar:

NM_001003694.2(BRPF1):c.3479+3_3479+5del

Gene: BRPF1 (bromodomain and PHD finger containing 1; plus strand). Cytogenetic location: 3p25.3.
Variant type: Deletion.
Coding change: c.3479+3_3479+5del on transcript NM_001003694.2 (MANE Select); bases 3 to 5 of the intron after coding-DNA position 3479, 3 bases deleted (AAG; older notation c.3479+3_3479+5delAAG).
Molecular consequence: intron variant.
Genome position (GRCh38, 1-based): chr3:9,746,457-9,746,459, AAG deleted. VCF-style (leftmost placement, unchanged base first): chr3-9746456-TAAG-T. GRCh37 (hg19) VCF-style: chr3-9788140-TAAG-T.
Other names: c.3476+3_3476+5del (NM_001410704.1); c.3461+3_3461+5del (NM_004634.3); c.3176+3_3176+5del (NM_001319049.2); c.3458+3_3458+5del (NM_001319050.2).
Identifiers: ClinVar variation 3135115 (VCV003135115.1), dbSNP rs747733388, ClinGen allele CA2242401.

ClinVar aggregate classification (germline): Uncertain significance (1 of 4 stars; one submission).

Conditions:
Inborn genetic diseases. Identifiers: MedGen C0950123, MeSH D030342.

Allele frequency attached by ClinVar (database versions not stated): ExAC 0.00001; gnomAD 0.00001; gnomAD exomes 0.00001; TOPMed 0.00002.

Submission:

Ambry Genetics
Classification: Uncertain significance for Inborn genetic diseases. Last evaluated: 2023-10-11. Review status: criteria provided, single submitter. Criteria: Ambry Variant Classification Scheme 2023. Collection method: clinical testing. Allele origin: germline.
Comment: The c.3479+3_3479+5delAAG alteration is located in Intron 13 (E) of the BRPF1 gene. This alteration consists of a deletion of 3 nucleotides at nucleotide position c.34793 Intron 13 (E). Based on insufficient or conflicting evidence, the clinical significance of this alteration remains unclear.